The following is an entry in ClinVar:

NM_001367561.1(DOCK7):c.5285G>C (p.Gly1762Ala)

Gene: DOCK7 (dedicator of cytokinesis 7; minus strand). Cytogenetic location: 1p31.3.
Variant type: single nucleotide variant.
Coding change: c.5285G>C on transcript NM_001367561.1 (MANE Select); coding-DNA position 5285, G replaced by C.
Protein change: p.Gly1762Ala; replaces glycine 1762 with alanine.
Molecular consequence: missense variant.
Genome position (GRCh38, 1-based): chr1:62,492,780, C>G on the plus strand (G>C on the coding strand, the complement: DOCK7 is on the minus strand). VCF-style: chr1-62492780-C-G. GRCh37 (hg19) VCF-style: chr1-62958451-C-G.
Other names: c.5258G>C, p.Gly1753Ala (NM_001271999.2, NM_001330614.2); c.5165G>C, p.Gly1722Ala (NM_001272000.2, NM_001272001.2); c.5192G>C, p.Gly1731Ala (NM_033407.4); short protein forms G1722A, G1731A, G1753A, G1762A.
Identifiers: ClinVar variation 1022120 (VCV001022120.11), dbSNP rs1646503594, ClinGen allele CA340611371.
Genomic context (GRCh38, chr1:62,492,780, plus strand): 5'-GCTGCTTGTTCCAGTAATCCCACAAGTCCTGACTCAGTAAAGTATTTTCCAGAGCAGATA[C>G]CTTCTTCATCTGGAGATACCACATCATCTGAGACCGCAGATTCTTCTAAAACATTAGATG-3'
Protein context (NP_001354490.1, residues 1752-1772): SDDVVSPDEE[Gly1762Ala]ICSGKYFTES

ClinVar aggregate classification (germline): Uncertain significance (1 of 4 stars; one submission).

Conditions:
Developmental and epileptic encephalopathy, 23 (DEE23). Also called: Epileptic encephalopathy, early infantile, 23. Identifiers: Orphanet 411986, MedGen C4014492, MONDO:0014371, OMIM 615859.

Submission:

Labcorp Genetics (formerly Invitae), Labcorp
Classification: Uncertain significance for Developmental and epileptic encephalopathy, 23. Last evaluated: 2020-02-12. Review status: criteria provided, single submitter. Criteria: Invitae Variant Classification Sherloc (09022015). Collection method: clinical testing. Allele origin: germline.
Comment: Algorithms developed to predict the effect of missense changes on protein structure and function are either unavailable or do not agree on the potential impact of this missense change (SIFT: "Deleterious"; PolyPhen-2: "Probably Damaging"; Align-GVGD: "Class C0"). In summary, the available evidence is currently insufficient to determine the role of this variant in disease. Therefore, it has been classified as a Variant of Uncertain Significance. This variant has not been reported in the literature in individuals with DOCK7-related conditions. This sequence change replaces glycine with alanine at codon 1753 of the DOCK7 protein (p.Gly1753Ala). The glycine residue is highly conserved and there is a small physicochemical difference between glycine and alanine. This variant is not present in population databases (ExAC no frequency).